The following is an entry in ClinVar:

ClinVar aggregate classification (germline): Uncertain significance. Review status: criteria provided, multiple submitters, no conflicts (2 of 4 stars). 6 submissions from 6 submitters: Uncertain significance (6). Last evaluated 2026-09-07.

Conditions:
LRP2-related disorder. Also called: LRP2-related condition.
Donnai-Barrow syndrome. Also called: DBS/FOAR SYNDROME; FACIOOCULOACOUSTICORENAL SYNDROME. Identifiers: Orphanet 2143, MedGen C1857277, MONDO:0009104, OMIM 222448.

Allele frequency attached by ClinVar (database versions not stated): gnomAD 0.00001 and 0.00002; gnomAD exomes 0.00001; ExAC 0.00002; TOPMed 0.00004.
gnomAD v4.1: 24 of 1,614,146 alleles (0.0015%); highest among the groups gnomAD compares: South Asian, 0.0033%; no homozygotes.

Submissions (6):

GeneDx
Classification: Uncertain significance. Last evaluated: 2026-09-07. Review status: criteria provided, single submitter. Criteria: GeneDx Variant Classification Process June 2021. Collection method: clinical testing. Allele origin: germline.
Comment: Observed with a LRP2 variant on the same allele (in cis) as well as another LRP2 variant on the opposite allele (in trans) in siblings with myopia and low molecular weight proteinuria in the literature (PMID: 37592754); Observed in a patient with hypoplastic left heart syndrome in the literature, although additional clinical and familial segregation information was not available (PMID: 33006316); In silico analysis supports that this missense variant has a deleterious effect on protein structure/function; This variant is associated with the following publications: (PMID: 37592754, 33006316)

PreventionGenetics, part of Exact Sciences
Classification: Uncertain significance for LRP2-related condition. Last evaluated: 2025-05-19. Review status: criteria provided, single submitter. Criteria: ACMG Guidelines, 2015. Collection method: clinical testing. Allele origin: germline.
Comment: The LRP2 c.10703C>T variant is predicted to result in the amino acid substitution p.Pro3568Leu. This variant was reported in an individual with Hypoplastic left heart syndrome (Supplemental Table 7, Theis et al. 2020. PubMed ID: 33006316). This variant is reported in 0 out of ~251,000 alleles in gnomAD. At this time, the clinical significance of this variant is uncertain due to the absence of conclusive functional and genetic evidence.

Blueprint Genetics
Classification: Uncertain significance. Last evaluated: 2024-05-14. Review status: criteria provided, single submitter. Criteria: ACMG Guidelines, 2015. Collection method: clinical testing. Allele origin: germline.

Labcorp Genetics (formerly Invitae), Labcorp
Classification: Uncertain significance. Last evaluated: 2024-01-25. Review status: criteria provided, single submitter. Criteria: Invitae Variant Classification Sherloc (09022015). Collection method: clinical testing. Allele origin: germline.
Comment: This sequence change replaces proline, which is neutral and non-polar, with leucine, which is neutral and non-polar, at codon 3568 of the LRP2 protein (p.Pro3568Leu). This variant is present in population databases (rs753477259, gnomAD 0.006%). This variant has not been reported in the literature in individuals affected with LRP2-related conditions. ClinVar contains an entry for this variant (Variation ID: 281919). Advanced modeling of protein sequence and biophysical properties (such as structural, functional, and spatial information, amino acid conservation, physicochemical variation, residue mobility, and thermodynamic stability) performed at Invitae indicates that this missense variant is not expected to disrupt LRP2 protein function with a negative predictive value of 95%. In summary, the available evidence is currently insufficient to determine the role of this variant in disease. Therefore, it has been classified as a Variant of Uncertain Significance.

Fulgent Genetics
Classification: Uncertain significance for Donnai-Barrow syndrome. Last evaluated: 2022-01-19. Review status: criteria provided, single submitter. Criteria: ACMG Guidelines, 2015. Collection method: clinical testing. Allele origin: unknown.

Eurofins Ntd Llc (ga)
Classification: Uncertain significance. Last evaluated: 2015-07-27. Review status: criteria provided, single submitter. Criteria: EGL Classification Definitions 2015. Collection method: clinical testing. Allele origin: germline.

NM_004525.3(LRP2):c.10703C>T (p.Pro3568Leu)

Gene: LRP2 (LDL receptor related protein 2; minus strand). Cytogenetic location: 2q31.1.
Variant type: single nucleotide variant.
Coding change: c.10703C>T on transcript NM_004525.3 (MANE Select); coding-DNA position 10703, C replaced by T.
Protein change: p.Pro3568Leu; replaces proline 3568 with leucine.
Molecular consequence: missense variant.
Genome position (GRCh38, 1-based): chr2:169,175,258, G>A on the plus strand (C>T on the coding strand, the complement: LRP2 is on the minus strand). VCF-style: chr2-169175258-G-A. GRCh37 (hg19) VCF-style: chr2-170031768-G-A.
Other names: c.10703C>T (NM_004525.2); short protein forms P3568L.
Identifiers: ClinVar variation 281919 (VCV000281919.11), dbSNP rs753477259, ClinGen allele CA1953276.